The following is an entry in ClinVar:

ClinVar aggregate classification (germline): Likely pathogenic (1 of 4 stars; one submission).

Conditions:
Bardet-Biedl syndrome 12 (BBS12). Identifiers: Orphanet 110, MedGen C1859570, MONDO:0014440, OMIM 615989.

Submission:

Natera, Inc.
Classification: Likely pathogenic for Bardet-Biedl syndrome type 12. Last evaluated: 2025-05-13. Review status: criteria provided, single submitter. Criteria: Natera Variant Classification Schema (03/2026). Collection method: clinical testing. Allele origin: germline.
Comment: The c.481delC variant in BBS12 is a frameshift variant predicted to shift the reading frame beginning at codon 161 and leads to a stop codon 9 codons downstream. This variant is expected to result in nonsense mediated decay, truncation, or a dysfunctional protein product. This variant is rare in the general population with a frequency below the threshold expected for the associated phenotype(s). Given the available evidence, this variant is classified as Likely Pathogenic.

NM_152618.3(BBS12):c.481del (p.Leu161fs)

Gene: BBS12 (Bardet-Biedl syndrome 12; plus strand). Cytogenetic location: 4q27.
Variant type: Deletion.
Coding change: c.481del on transcript NM_152618.3 (MANE Select); coding-DNA position 481, one base deleted (C; older notation c.481delC).
Protein change: p.Leu161fs; shifts the reading frame from leucine 161.
Molecular consequence: frameshift variant.
Genome position (GRCh38, 1-based): chr4:122,742,373, C deleted. VCF-style (leftmost placement, unchanged base first): chr4-122742372-TC-T. GRCh37 (hg19) VCF-style: chr4-123663527-TC-T.
Other names: c.481del, p.Leu161fs (NM_001178007.2); short protein forms L161fs.
Identifiers: ClinVar variation 4816888 (VCV004816888.1).